The following is an entry in ClinVar:

NM_004982.4(KCNJ8):c.122G>A (p.Gly41Glu)

Genes: KCNJ8 (potassium inwardly rectifying channel subfamily J member 8; minus strand), KCNJ8-AS1 (KCNJ8 antisense RNA 1; plus strand). Cytogenetic location: 12p12.1.
Variant type: single nucleotide variant.
Coding change: c.122G>A on transcript NM_004982.4 (MANE Select); coding-DNA position 122, G replaced by A.
Protein change: p.Gly41Glu; replaces glycine 41 with glutamic acid.
Molecular consequence: missense variant.
Genome position (GRCh38, 1-based): chr12:21,773,495, C>T on the plus strand (G>A on the coding strand, the complement: KCNJ8 is on the minus strand). VCF-style: chr12-21773495-C-T. GRCh37 (hg19) VCF-style: chr12-21926429-C-T.
Other names: short protein forms G41E.
Identifiers: ClinVar variation 3532518 (VCV003532518.1).

ClinVar aggregate classification (germline): Uncertain significance (1 of 4 stars; one submission).

Conditions:
Cardiovascular phenotype. Identifiers: MedGen CN230736.

Submission:

Ambry Genetics
Classification: Uncertain significance for Cardiovascular phenotype. Last evaluated: 2024-10-28. Review status: criteria provided, single submitter. Criteria: Ambry Variant Classification Scheme 2023. Collection method: clinical testing. Allele origin: germline.
Comment: The p.G41E variant (also known as c.122G>A), located in coding exon 1 of the KCNJ8 gene, results from a G to A substitution at nucleotide position 122. The glycine at codon 41 is replaced by glutamic acid, an amino acid with similar properties. This amino acid position is conserved. In addition, this alteration is predicted to be deleterious by in silico analysis. Based on the available evidence, the clinical significance of this variant remains unclear.